The following is an entry in ClinVar:

ClinVar aggregate classification (germline): Uncertain significance (1 of 4 stars; one submission).

gnomAD v4.1: 1 of 1,210,375 alleles (0.000083%); highest among the groups gnomAD compares: Non-Finnish European, 0.00011%; no homozygotes.

Submission:

GeneDx
Classification: Uncertain significance. Last evaluated: 2026-02-24. Review status: criteria provided, single submitter. Criteria: GeneDx Variant Classification Process June 2021. Collection method: clinical testing. Allele origin: germline.
Comment: Not observed at significant frequency in large population cohorts (gnomAD); In silico analysis supports that this missense variant has a deleterious effect on protein structure/function; Has not been previously published as pathogenic or benign to our knowledge

NM_014008.5(CCDC22):c.1513C>G (p.Arg505Gly)

Gene: CCDC22 (CCC complex scaffolding subunit CCDC22; plus strand). Cytogenetic location: Xp11.23.
Variant type: single nucleotide variant.
Coding change: c.1513C>G on transcript NM_014008.5 (MANE Select); coding-DNA position 1513, C replaced by G.
Protein change: p.Arg505Gly; replaces arginine 505 with glycine.
Molecular consequence: missense variant.
Genome position (GRCh38, 1-based): chrX:49,248,898, C>G. VCF-style: chrX-49248898-C-G. GRCh37 (hg19) VCF-style: chrX-49105359-C-G.
Other names: short protein forms R505G.
Identifiers: ClinVar variation 1698311 (VCV001698311.3), dbSNP rs782471588, ClinGen allele CA412944010.